The following is an entry in ClinVar:

ClinVar aggregate classification (germline): Uncertain significance. Review status: criteria provided, multiple submitters, no conflicts (2 of 4 stars). 6 submissions from 6 submitters: Uncertain significance (5). 1 of the submissions does not count toward it. Last evaluated 2025-12-22.

Conditions:
MYH11-related disorder. Also called: MYH11-related condition.
Familial thoracic aortic aneurysm and aortic dissection (TAAD). Also called: Thoracic aortic aneurysms and dissections. Identifiers: Orphanet 91387, MedGen C4707243, MONDO:0019625.
Aortic aneurysm, familial thoracic 4 (AAT4). Also called: AORTIC ANEURYSM/AORTIC DISSECTION AND PATENT DUCTUS ARTERIOSUS. Identifiers: MedGen C1851504, MONDO:0007568, OMIM 132900.

Allele frequency attached by ClinVar (database versions not stated): TOPMed 0.00006.
gnomAD v4.1: 46 of 1,605,916 alleles (0.0029%); highest among the groups gnomAD compares: South Asian, 0.0089%; no homozygotes.

Submissions (6):

Labcorp Genetics (formerly Invitae), Labcorp
Classification: Uncertain significance for Aortic aneurysm, familial thoracic 4. Last evaluated: 2025-12-22. Review status: criteria provided, single submitter. Criteria: Invitae Variant Classification Sherloc (09022015). Collection method: clinical testing. Allele origin: germline.
Comment: This sequence change replaces proline, which is neutral and non-polar, with leucine, which is neutral and non-polar, at codon 1940 of the MYH11 protein (p.Pro1940Leu). This variant is present in population databases (rs111588143, gnomAD 0.01%). This variant has not been reported in the literature in individuals affected with MYH11-related conditions. ClinVar contains an entry for this variant (Variation ID: 201119). An algorithm developed to predict the effect of missense changes on protein structure and function (PolyPhen-2) suggests that this variant is likely to be tolerated. In summary, the available evidence is currently insufficient to determine the role of this variant in disease. Therefore, it has been classified as a Variant of Uncertain Significance.

All of Us Research Program, National Institutes of Health
Classification: Uncertain significance for Familial thoracic aortic aneurysm and aortic dissection. Last evaluated: 2024-08-30. Review status: criteria provided, single submitter. Criteria: ACMG Guidelines, 2015. Collection method: clinical testing. Allele origin: germline. Inheritance: Autosomal dominant inheritance. Observed: 11 variant alleles, 11 heterozygotes.
Comment: This missense variant replaces proline with leucine at codon 1940 of the MYH11 protein. Computational prediction suggests that this variant may not impact protein structure and function (internally defined REVEL score threshold <= 0.5, PMID: 27666373). Splice site prediction tools suggest that this variant may not impact RNA splicing. To our knowledge, functional studies have not been performed for this variant. This variant has not been reported in individuals affected with cardiovascular disorders in the literature. This variant has been identified in 9/233460 chromosomes in the general population by the Genome Aggregation Database (gnomAD). The available evidence is insufficient to determine the role of this variant in disease conclusively. Therefore, this variant is classified as a Variant of Uncertain Significance.

This study involves interpretation of variants in research participants for the purpose of population health screening. Participant phenotype was not available at the time of variant classification. Additional details can be found in publication PMID: 35346344, PMCID: PMC8962531

Color Diagnostics, LLC DBA Color Health
Classification: Uncertain significance for Familial thoracic aortic aneurysm and aortic dissection. Last evaluated: 2024-06-20. Review status: criteria provided, single submitter. Criteria: ACMG Guidelines, 2015. Collection method: clinical testing. Allele origin: germline.
Comment: This missense variant replaces proline with leucine at codon 1940 of the MYH11 protein. Computational prediction tools indicate that this variant has a neutral impact on protein structure and function. To our knowledge, functional studies have not been reported for this variant. This variant has not been reported in individuals affected with MYH11-related disorders in the literature. This variant has been identified in 9/233460 chromosomes in the general population by the Genome Aggregation Database (gnomAD). The available evidence is insufficient to determine the role of this variant in disease conclusively. Therefore, this variant is classified as a Variant of Uncertain Significance.

GeneDx
Classification: Uncertain significance. Last evaluated: 2024-05-15. Review status: criteria provided, single submitter. Criteria: GeneDx Variant Classification Process June 2021. Collection method: clinical testing. Allele origin: germline. Affected: yes.
Comment: Reported using an alternate transcript of the gene; Has not been previously published as pathogenic or benign to our knowledge; In silico analysis indicates that this missense variant does not alter protein structure/function

Breakthrough Genomics
Classification: Uncertain significance. Review status: criteria provided, single submitter. Criteria: ACMG Guidelines, 2015. Collection method: not provided. Allele origin: germline. Inheritance: Autosomal recessive inheritance. Affected: yes.

PreventionGenetics, part of Exact Sciences
Classification: Uncertain significance for MYH11-related condition. Last evaluated: 2024-08-27. Review status: no assertion criteria provided. Collection method: clinical testing. Allele origin: germline. Not counted in ClinVar's aggregate classification.
Comment: The MYH11 c.5819C>T variant is predicted to result in the amino acid substitution p.Pro1940Leu. To our knowledge, this variant has not been reported in the literature. This variant is reported in 0.012% of alleles in individuals of East Asian descent in gnomAD. At this time, the clinical significance of this variant is uncertain due to the absence of conclusive functional and genetic evidence.

NM_001040113.2(MYH11):c.5819C>T (p.Pro1940Leu)

Genes: NDE1 (nudE neurodevelopment protein 1; plus strand), MYH11 (myosin heavy chain 11; minus strand). Cytogenetic location: 16p13.11.
Variant type: single nucleotide variant.
Coding change: c.5819C>T on transcript NM_001040113.2 (MANE Plus Clinical); coding-DNA position 5819, C replaced by T.
Protein change: p.Pro1940Leu; replaces proline 1940 with leucine.
Molecular consequence: missense variant. On other transcripts: intron variant (4).
Genome position (GRCh38, 1-based): chr16:15,708,830, G>A on the plus strand (C>T on the coding strand, the complement: MYH11 is on the minus strand). VCF-style: chr16-15708830-G-A. GRCh37 (hg19) VCF-style: chr16-15802687-G-A.
Other names: p.P1933L:CCA>CTA; c.5798C>T, p.Pro1933Leu (NM_022844.3); c.947+11970G>A (NM_001143979.2, NM_017668.3); c.5787-4707C>T (NM_002474.3); c.5808-4707C>T (NM_001040114.2); short protein forms P1933L, P1940L.
Identifiers: ClinVar variation 201119 (VCV000201119.22), dbSNP rs111588143, ClinGen allele CA306694.